The following is an entry in ClinVar:

ClinVar aggregate classification (germline): Uncertain significance (1 of 4 stars; one submission).

Conditions:
Congenital contractural arachnodactyly (CCA). Also called: BEALS SYNDROME; Arthrogryposis, distal, type 9; Beals-Hecht syndrome. Identifiers: Orphanet 115, MedGen C0220668, MONDO:0007363, OMIM 121050.

Submission:

Labcorp Genetics (formerly Invitae), Labcorp
Classification: Uncertain significance for Congenital contractural arachnodactyly. Last evaluated: 2023-11-06. Review status: criteria provided, single submitter. Criteria: Invitae Variant Classification Sherloc (09022015). Collection method: clinical testing. Allele origin: germline.
Comment: This sequence change replaces serine, which is neutral and polar, with phenylalanine, which is neutral and non-polar, at codon 2373 of the FBN2 protein (p.Ser2373Phe). This variant is not present in population databases (gnomAD no frequency). This variant has not been reported in the literature in individuals affected with FBN2-related conditions. Advanced modeling of protein sequence and biophysical properties (such as structural, functional, and spatial information, amino acid conservation, physicochemical variation, residue mobility, and thermodynamic stability) performed at Invitae indicates that this missense variant is not expected to disrupt FBN2 protein function with a negative predictive value of 80%. In summary, the available evidence is currently insufficient to determine the role of this variant in disease. Therefore, it has been classified as a Variant of Uncertain Significance.

NM_001999.4(FBN2):c.7118C>T (p.Ser2373Phe)

Gene: FBN2 (fibrillin 2; minus strand). Cytogenetic location: 5q23.3.
Variant type: single nucleotide variant.
Coding change: c.7118C>T on transcript NM_001999.4 (MANE Select); coding-DNA position 7118, C replaced by T.
Protein change: p.Ser2373Phe; replaces serine 2373 with phenylalanine.
Molecular consequence: missense variant.
Genome position (GRCh38, 1-based): chr5:128,280,212, G>A on the plus strand (C>T on the coding strand, the complement: FBN2 is on the minus strand). VCF-style: chr5-128280212-G-A. GRCh37 (hg19) VCF-style: chr5-127615904-G-A.
Other names: short protein forms S2373F.
Identifiers: ClinVar variation 2714583 (VCV002714583.3), dbSNP rs2479655234, ClinGen allele CA360757582.